The following is an entry in ClinVar:

NM_006744.4(RBP4):c.486_487delinsTT (p.Pro163Ser)

Gene: RBP4 (retinol binding protein 4; minus strand). Cytogenetic location: 10q23.33.
Variant type: Indel.
Coding change: c.486_487delinsTT on transcript NM_006744.4 (MANE Select); coding-DNA positions 486 to 487, GC replaced by TT.
Protein change: p.Pro163Ser; replaces proline 163 with serine.
Molecular consequence: missense variant.
Genome position (GRCh38, 1-based): chr10:93,593,904-93,593,905, GC replaced by AA on the plus strand (GC replaced by TT on the coding strand, the reverse complement: RBP4 is on the minus strand). VCF-style: chr10-93593904-GC-AA. GRCh37 (hg19) VCF-style: chr10-95353661-GC-AA.
Other names: c.486_487delinsTT, p.Pro163Ser (NM_001323517.1); c.480_481delinsTT, p.Pro161Ser (NM_001323518.2); short protein forms P163S, P161S.
Identifiers: ClinVar variation 1467747 (VCV001467747.6), dbSNP rs2134567703, ClinGen allele CA2573145851.
Genomic context (GRCh38, chr10:93,593,904, plus strand): 5'-ACTGCCTGGCCAGGCACAGCTCCTCCTGCCGCTGCCTTACAATCTTCTGCGCTTCTGGGG[GC>AA]AGGCCGTTGGGGTCCCGGGAAAACACGAAGGAGTAGCTGTCAGCACAGGTGCCATCGAGG-3'
Protein context (NP_006735.2, residues 153-173): FVFSRDPNGL[Pro163Ser]PEAQKIVRQR

ClinVar aggregate classification (germline): Uncertain significance (1 of 4 stars; one submission).

Submission:

Labcorp Genetics (formerly Invitae), Labcorp
Classification: Uncertain significance. Last evaluated: 2021-07-28. Review status: criteria provided, single submitter. Criteria: Invitae Variant Classification Sherloc (09022015). Collection method: clinical testing. Allele origin: germline.
Comment: This sequence change replaces proline with serine at codon 163 of the RBP4 protein (p.Pro163Ser). The proline residue is moderately conserved and there is a moderate physicochemical difference between proline and serine. The frequency data for this variant in the population databases is not available, as this variant may be reported as separate entries in the ExAC database. In summary, the available evidence is currently insufficient to determine the role of this variant in disease. Therefore, it has been classified as a Variant of Uncertain Significance. Experimental studies and prediction algorithms are not available or were not evaluated, and the functional significance of this variant is currently unknown. This variant has not been reported in the literature in individuals affected with RBP4-related conditions.